The following is an entry in ClinVar:

ClinVar aggregate classification (germline): Uncertain significance (1 of 4 stars; one submission).

Conditions:
RBM10-related disorder. Also called: RBM10-related condition.

Submission:

PreventionGenetics, part of Exact Sciences
Classification: Uncertain significance for RBM10-related condition. Last evaluated: 2026-02-06. Review status: criteria provided, single submitter. Criteria: ACMG Guidelines, 2015. Collection method: clinical testing. Allele origin: germline.
Comment: The RBM10 c.17G>A variant is predicted to result in the amino acid substitution p.Arg6His. To our knowledge, this variant has not been reported in the literature or in a large population database (gnomAD), indicating this variant is rare. Statistical evidence in gnomAD suggests the RBM10 gene is intolerant of missense variation. At this time, the clinical significance of this variant is uncertain due to the absence of conclusive functional and genetic evidence.

NM_005676.5(RBM10):c.17G>A (p.Arg6His)

Gene: RBM10 (RNA binding motif protein 10; plus strand). Cytogenetic location: Xp11.3.
Variant type: single nucleotide variant.
Coding change: c.17G>A on transcript NM_005676.5 (MANE Select); coding-DNA position 17, G replaced by A.
Protein change: p.Arg6His; replaces arginine 6 with histidine.
Molecular consequence: missense variant.
Genome position (GRCh38, 1-based): chrX:47,147,498, G>A. VCF-style: chrX-47147498-G-A. GRCh37 (hg19) VCF-style: chrX-47006897-G-A.
Other names: c.17G>A, p.Arg6His (NM_001204466.2, NM_001204467.2, NM_152856.3); c.212G>A, p.Arg71His (NM_001204468.2, NM_001440861.1, NM_001440862.1 and 1 more transcripts); short protein forms R6H, R71H.
Identifiers: ClinVar variation 4991795 (VCV004991795.1).
Genomic context (GRCh38, chrX:47,147,498, plus strand): 5'-GGCTGAGGAGGGGCCCCAGCAGCCCCCGAAGGCCCTATCAGGACATGGAGTATGAAAGAC[G>A]GTGAGTTATCTGTTCTCAGCTTCCCAGACAGCCTAGGCTTGCGTCTATGTGAGAATTGAT-3'
Protein context (NP_005667.2, residues 1-16): MEYER[Arg6His]GGRGDRTGRY